The following is an entry in ClinVar:

ClinVar aggregate classification (germline): Uncertain significance (1 of 4 stars; one submission).

Conditions:
Combined immunodeficiency due to DOCK8 deficiency (HIES2). Also called: HIES autosomal recessive; Hyper-IgE recurrent infection syndrome, autosomal recessive; HYPER-IgE RECURRENT INFECTION SYNDROME 2, AUTOSOMAL RECESSIVE; HYPER-IgE SYNDROME 2, AUTOSOMAL RECESSIVE, WITH RECURRENT INFECTIONS; DOCK8 Deficiency. Identifiers: Orphanet 217390, MedGen C4722305, MONDO:0009478, OMIM 243700.

Allele frequency attached by ClinVar (database versions not stated): gnomAD exomes below 0.00001 and 0.00001; gnomAD 0.00001; TOPMed 0.00001.
gnomAD v4.1: 4 of 1,613,954 alleles (0.00025%); highest among the groups gnomAD compares: East Asian, 0.0022%; no homozygotes.

Submission:

Labcorp Genetics (formerly Invitae), Labcorp
Classification: Uncertain significance for Combined immunodeficiency due to DOCK8 deficiency. Last evaluated: 2024-02-05. Review status: criteria provided, single submitter. Criteria: Invitae Variant Classification Sherloc (09022015). Collection method: clinical testing. Allele origin: germline.
Comment: This sequence change replaces arginine, which is basic and polar, with tryptophan, which is neutral and slightly polar, at codon 1406 of the DOCK8 protein (p.Arg1406Trp). This variant is present in population databases (no rsID available, gnomAD 0.006%). This variant has not been reported in the literature in individuals affected with DOCK8-related conditions. ClinVar contains an entry for this variant (Variation ID: 1392909). Advanced modeling of protein sequence and biophysical properties (such as structural, functional, and spatial information, amino acid conservation, physicochemical variation, residue mobility, and thermodynamic stability) performed at Invitae indicates that this missense variant is not expected to disrupt DOCK8 protein function with a negative predictive value of 80%. In summary, the available evidence is currently insufficient to determine the role of this variant in disease. Therefore, it has been classified as a Variant of Uncertain Significance.

NM_203447.4(DOCK8):c.4216C>T (p.Arg1406Trp)

Gene: DOCK8 (dedicator of cytokinesis 8; plus strand). Cytogenetic location: 9p24.3.
Variant type: single nucleotide variant.
Coding change: c.4216C>T on transcript NM_203447.4 (MANE Select); coding-DNA position 4216, C replaced by T.
Protein change: p.Arg1406Trp; replaces arginine 1406 with tryptophan.
Molecular consequence: missense variant.
Genome position (GRCh38, 1-based): chr9:422,110, C>T. VCF-style: chr9-422110-C-T. GRCh37 (hg19) VCF-style: chr9-422110-C-T.
Other names: c.3916C>T, p.Arg1306Trp (NM_001190458.2); c.4012C>T, p.Arg1338Trp (NM_001193536.2); short protein forms R1306W, R1338W, R1406W.
Identifiers: ClinVar variation 1392909 (VCV001392909.6), dbSNP rs1226113558, ClinGen allele CA372764829.